The following is an entry in ClinVar:

ClinVar aggregate classification (germline): Conflicting classifications of pathogenicity. Review status: criteria provided, conflicting classifications (1 of 4 stars). 2 submissions from 2 submitters: Uncertain significance (1); Likely benign (1). Last evaluated 2023-10-16.

Allele frequency attached by ClinVar (database versions not stated): gnomAD 0.00001; ExAC 0.00002; TOPMed 0.00002; gnomAD exomes 0.00003.
gnomAD v4.1: 41 of 1,613,972 alleles (0.0025%); highest among the groups gnomAD compares: Middle Eastern, 0.016%; no homozygotes.

Submissions (2):

Ambry Genetics
Classification: Likely benign. Last evaluated: 2023-10-16. Review status: criteria provided, single submitter. Criteria: Ambry Variant Classification Scheme 2023. Collection method: clinical testing. Allele origin: germline.

Labcorp Genetics (formerly Invitae), Labcorp
Classification: Uncertain significance. Last evaluated: 2022-04-18. Review status: criteria provided, single submitter. Criteria: Invitae Variant Classification Sherloc (09022015). Collection method: clinical testing. Allele origin: germline.
Comment: This sequence change replaces arginine, which is basic and polar, with histidine, which is basic and polar, at codon 877 of the SORL1 protein (p.Arg877His). In summary, the available evidence is currently insufficient to determine the role of this variant in disease. Therefore, it has been classified as a Variant of Uncertain Significance. Algorithms developed to predict the effect of missense changes on protein structure and function output the following: SIFT: "Tolerated"; PolyPhen-2: "Benign"; Align-GVGD: "Class C0". The histidine amino acid residue is found in multiple mammalian species, which suggests that this missense change does not adversely affect protein function. This variant has not been reported in the literature in individuals affected with SORL1-related conditions. This variant is present in population databases (rs773321516, gnomAD 0.006%).

NM_003105.6(SORL1):c.2630G>A (p.Arg877His)

Gene: SORL1 (sortilin related receptor 1; plus strand). Cytogenetic location: 11q24.1.
Variant type: single nucleotide variant.
Coding change: c.2630G>A on transcript NM_003105.6 (MANE Select); coding-DNA position 2630, G replaced by A.
Protein change: p.Arg877His; replaces arginine 877 with histidine.
Molecular consequence: missense variant.
Genome position (GRCh38, 1-based): chr11:121,557,372, G>A. VCF-style: chr11-121557372-G-A. GRCh37 (hg19) VCF-style: chr11-121428081-G-A.
Other names: c.2630G>A (NM_003105.5); short protein forms R877H.
Identifiers: ClinVar variation 1935699 (VCV001935699.5), dbSNP rs773321516, ClinGen allele CA6329011.